The following is an entry in ClinVar:

NM_001278064.2(GRM1):c.446C>A (p.Pro149Gln)

Gene: GRM1 (glutamate metabotropic receptor 1; plus strand). Cytogenetic location: 6q24.3.
Variant type: single nucleotide variant.
Coding change: c.446C>A on transcript NM_001278064.2 (MANE Select); coding-DNA position 446, C replaced by A.
Protein change: p.Pro149Gln; replaces proline 149 with glutamine.
Molecular consequence: missense variant.
Genome position (GRCh38, 1-based): chr6:146,029,963, C>A. VCF-style: chr6-146029963-C-A. GRCh37 (hg19) VCF-style: chr6-146351099-C-A.
Other names: c.446C>A, p.Pro149Gln (NM_001278065.2, NM_001278066.1, NM_001278067.1); short protein forms P149Q.
Identifiers: ClinVar variation 2980408 (VCV002980408.3), dbSNP rs199749018, ClinGen allele CA4037064.

ClinVar aggregate classification (germline): Uncertain significance (1 of 4 stars; one submission).

gnomAD v4.1: 20 of 1,614,008 alleles (0.0012%); highest among the groups gnomAD compares: African/African-American, 0.004%; no homozygotes.

Submission:

Labcorp Genetics (formerly Invitae), Labcorp
Classification: Uncertain significance. Last evaluated: 2023-07-29. Review status: criteria provided, single submitter. Criteria: Invitae Variant Classification Sherloc (09022015). Collection method: clinical testing. Allele origin: germline.
Comment: In summary, the available evidence is currently insufficient to determine the role of this variant in disease. Therefore, it has been classified as a Variant of Uncertain Significance. An algorithm developed to predict the effect of missense changes on protein structure and function (PolyPhen-2) suggests that this variant is likely to be tolerated. This variant has not been reported in the literature in individuals affected with GRM1-related conditions. This variant is present in population databases (rs199749018, gnomAD 0.007%). This sequence change replaces proline, which is neutral and non-polar, with glutamine, which is neutral and polar, at codon 149 of the GRM1 protein (p.Pro149Gln).